The following is an entry in ClinVar:

ClinVar aggregate classification (germline): Uncertain significance (1 of 4 stars; one submission).

Conditions:
Congenital muscular hypertrophy-cerebral syndrome (CDLS2). Also called: Cornelia de Lange syndrome 2; SMC1A-Related Cornelia de Lange Syndrome. Identifiers: Orphanet 199, MedGen C1802395, MONDO:0010370, OMIM 300590.

Submission:

Labcorp Genetics (formerly Invitae), Labcorp
Classification: Uncertain significance for Congenital muscular hypertrophy-cerebral syndrome. Last evaluated: 2022-04-18. Review status: criteria provided, single submitter. Criteria: Invitae Variant Classification Sherloc (09022015). Collection method: clinical testing. Allele origin: germline.
Comment: In summary, the available evidence is currently insufficient to determine the role of this variant in disease. Therefore, it has been classified as a Variant of Uncertain Significance. Advanced modeling of protein sequence and biophysical properties (such as structural, functional, and spatial information, amino acid conservation, physicochemical variation, residue mobility, and thermodynamic stability) performed at Invitae indicates that this missense variant is expected to disrupt SMC1A protein function. This sequence change replaces arginine, which is basic and polar, with cysteine, which is neutral and slightly polar, at codon 131 of the SMC1A protein (p.Arg131Cys). This variant is not present in population databases (gnomAD no frequency). This variant has not been reported in the literature in individuals affected with SMC1A-related conditions.

NM_006306.4(SMC1A):c.391C>T (p.Arg131Cys)

Gene: SMC1A (structural maintenance of chromosomes 1A; minus strand). Cytogenetic location: Xp11.22.
Variant type: single nucleotide variant.
Coding change: c.391C>T on transcript NM_006306.4 (MANE Select); coding-DNA position 391, C replaced by T.
Protein change: p.Arg131Cys; replaces arginine 131 with cysteine.
Molecular consequence: missense variant.
Genome position (GRCh38, 1-based): chrX:53,414,778, G>A on the plus strand (C>T on the coding strand, the complement: SMC1A is on the minus strand). VCF-style: chrX-53414778-G-A. GRCh37 (hg19) VCF-style: chrX-53441727-G-A.
Other names: c.325C>T, p.Arg109Cys (NM_001281463.1); short protein forms R131C, R109C.
Identifiers: ClinVar variation 2127647 (VCV002127647.4), dbSNP rs2520969249, ClinGen allele CA413131436.